The following is an entry in ClinVar:

NM_006206.6(PDGFRA):c.2618C>G (p.Thr873Ser)

Gene: PDGFRA (platelet derived growth factor receptor alpha; plus strand). Cytogenetic location: 4q12.
Variant type: single nucleotide variant.
Coding change: c.2618C>G on transcript NM_006206.6 (MANE Select); coding-DNA position 2618, C replaced by G.
Protein change: p.Thr873Ser; replaces threonine 873 with serine.
Molecular consequence: missense variant.
Genome position (GRCh38, 1-based): chr4:54,287,485, C>G. VCF-style: chr4-54287485-C-G. GRCh37 (hg19) VCF-style: chr4-55153652-C-G.
Other names: c.2693C>G, p.Thr898Ser (NM_001347828.2); c.2618C>G, p.Thr873Ser (NM_001347829.2); c.2657C>G, p.Thr886Ser (NM_001347830.2); short protein forms T873S, T898S, T886S.
Identifiers: ClinVar variation 2010759 (VCV002010759.4), dbSNP rs1724416614, ClinGen allele CA356895257.

ClinVar aggregate classification (germline): Uncertain significance (1 of 4 stars; one submission).

Conditions:
Gastrointestinal stromal tumor. Also called: Gastrointestinal stroma tumor; Gastrointestinal stromal tumor, somatic. Identifiers: Orphanet 44890, MedGen C0238198, MeSH D046152, MONDO:0011719, OMIM 606764, HP:0100723.

Submission:

Labcorp Genetics (formerly Invitae), Labcorp
Classification: Uncertain significance for Gastrointestinal stromal tumor. Last evaluated: 2022-06-26. Review status: criteria provided, single submitter. Criteria: Invitae Variant Classification Sherloc (09022015). Collection method: clinical testing. Allele origin: germline.
Comment: In summary, the available evidence is currently insufficient to determine the role of this variant in disease. Therefore, it has been classified as a Variant of Uncertain Significance. Algorithms developed to predict the effect of missense changes on protein structure and function are either unavailable or do not agree on the potential impact of this missense change (SIFT: "Tolerated"; PolyPhen-2: "Possibly Damaging"; Align-GVGD: "Class C0"). This variant has not been reported in the literature in individuals affected with PDGFRA-related conditions. This variant is not present in population databases (gnomAD no frequency). This sequence change replaces threonine, which is neutral and polar, with serine, which is neutral and polar, at codon 873 of the PDGFRA protein (p.Thr873Ser).